The following is an entry in ClinVar:

ClinVar aggregate classification (germline): Pathogenic (1 of 4 stars; one submission).

Conditions:
Gaucher disease. Also called: Acute cerebral Gaucher disease; Cerebroside lipidosis syndrome; Gaucher splenomegaly; Sphingolipidosis 1; Glucocerebrosidosis; Glucosylceramidase deficiency. Identifiers: Orphanet 355, MedGen C0017205, MONDO:0018150.

Submission:

Natera, Inc.
Classification: Pathogenic for Gaucher disease. Last evaluated: 2025-10-01. Review status: criteria provided, single submitter. Criteria: Natera Variant Classification Schema (03/2026). Collection method: clinical testing. Allele origin: germline.
Comment: The c.700G>T variant in GBA1 is a missense variant predicted to cause substitution of glycine to tryptophan at amino acid 234. This variant is rare in the general population with a frequency below the threshold expected for the associated phenotype(s). This variant has been observed in one or more individuals affected with the associated recessive disease, as either homozygous or compound heterozygous with a second variant (PMID: 34820281, 10447266, 16185907, 32589593, 17682016). Computational prediction algorithms indicate this variant is likely to affect gene or protein function. Given the available evidence, this variant is classified as Pathogenic.

Literature cited by the submitters: PubMed 34820281; PubMed 10447266; PubMed 16185907; PubMed 32589593; PubMed 17682016.

NM_000157.4(GBA1):c.700G>T (p.Gly234Trp)

Genes: GBA1 (glucosylceramidase beta 1; minus strand), LOC106627981 (GBA recombination region; plus strand). Cytogenetic location: 1q22.
Variant type: single nucleotide variant.
Coding change: c.700G>T on transcript NM_000157.4 (MANE Select); coding-DNA position 700, G replaced by T.
Protein change: p.Gly234Trp; replaces glycine 234 with tryptophan.
Molecular consequence: missense variant.
Genome position (GRCh38, 1-based): chr1:155,238,195, C>A on the plus strand (G>T on the coding strand, the complement: GBA1 is on the minus strand). VCF-style: chr1-155238195-C-A. GRCh37 (hg19) VCF-style: chr1-155207986-C-A.
Other names: c.700G>T, p.Gly234Trp (NM_001005741.3, NM_001005742.3); c.439G>T, p.Gly147Trp (NM_001171811.2); c.553G>T, p.Gly185Trp (NM_001171812.2); short protein forms G147W, G185W, G234W.
Identifiers: ClinVar variation 4817796 (VCV004817796.1).
Genomic context (GRCh38, chr1:155,238,195, plus strand): 5'-TCACAAAGTATCTGGCCCAGGTCTGGTGGTAGATGTCTCCGGGCTGTCCCTTGAGTGACC[C>A]CTTCCCATTCACCGCTCCATTGGTCTTGAGCCAAGTGGGTGATGTCCAGGGGCTGGCAAG-3'
Protein context (NP_000148.2, residues 224-244): LKTNGAVNGK[Gly234Trp]SLKGQPGDIY